The following is an entry in ClinVar:

ClinVar aggregate classification (germline): Uncertain significance (1 of 4 stars; one submission).

Submission:

Labcorp Genetics (formerly Invitae), Labcorp
Classification: Uncertain significance. Last evaluated: 2024-03-07. Review status: criteria provided, single submitter. Criteria: Invitae Variant Classification Sherloc (09022015). Collection method: clinical testing. Allele origin: germline.
Comment: This sequence change replaces serine, which is neutral and polar, with isoleucine, which is neutral and non-polar, at codon 1399 of the CEP152 protein (p.Ser1399Ile). This variant is not present in population databases (gnomAD no frequency). This variant has not been reported in the literature in individuals affected with CEP152-related conditions. Algorithms developed to predict the effect of missense changes on protein structure and function output the following: SIFT: "Not Available"; PolyPhen-2: "Benign"; Align-GVGD: "Not Available". The isoleucine amino acid residue is found in multiple mammalian species, which suggests that this missense change does not adversely affect protein function. In summary, the available evidence is currently insufficient to determine the role of this variant in disease. Therefore, it has been classified as a Variant of Uncertain Significance.

NM_001194998.2(CEP152):c.4364G>T (p.Ser1455Ile)

Gene: CEP152 (centrosomal protein 152; minus strand). Cytogenetic location: 15q21.1.
Variant type: single nucleotide variant.
Coding change: c.4364G>T on transcript NM_001194998.2 (MANE Select); coding-DNA position 4364, G replaced by T.
Protein change: p.Ser1455Ile; replaces serine 1455 with isoleucine.
Molecular consequence: missense variant.
Genome position (GRCh38, 1-based): chr15:48,739,018, C>A on the plus strand (G>T on the coding strand, the complement: CEP152 is on the minus strand). VCF-style: chr15-48739018-C-A. GRCh37 (hg19) VCF-style: chr15-49031215-C-A.
Other names: c.4196G>T, p.Ser1399Ile (NM_014985.4); short protein forms S1455I, S1399I.
Identifiers: ClinVar variation 3644992 (VCV003644992.2).